The following is an entry in ClinVar:

ClinVar aggregate classification (germline): Uncertain significance (1 of 4 stars; one submission).

Allele frequency attached by ClinVar (database versions not stated): gnomAD exomes below 0.00001; TOPMed below 0.00001; gnomAD 0.00001.
gnomAD v4.1: 7 of 1,613,830 alleles (0.00043%); highest among the groups gnomAD compares: African/African-American, 0.0013%; no homozygotes.

Submission:

Labcorp Genetics (formerly Invitae), Labcorp
Classification: Uncertain significance. Last evaluated: 2022-06-08. Review status: criteria provided, single submitter. Criteria: Invitae Variant Classification Sherloc (09022015). Collection method: clinical testing. Allele origin: germline.
Comment: This sequence change replaces histidine, which is basic and polar, with proline, which is neutral and non-polar, at codon 133 of the CNGB3 protein (p.His133Pro). This variant is present in population databases (rs753603630, gnomAD 0.007%). This variant has not been reported in the literature in individuals affected with CNGB3-related conditions. Advanced modeling of protein sequence and biophysical properties (such as structural, functional, and spatial information, amino acid conservation, physicochemical variation, residue mobility, and thermodynamic stability) performed at Invitae indicates that this missense variant is not expected to disrupt CNGB3 protein function. In summary, the available evidence is currently insufficient to determine the role of this variant in disease. Therefore, it has been classified as a Variant of Uncertain Significance.

NM_019098.5(CNGB3):c.398A>C (p.His133Pro)

Gene: CNGB3 (cyclic nucleotide gated channel subunit beta 3; minus strand). Cytogenetic location: 8q21.3.
Variant type: single nucleotide variant.
Coding change: c.398A>C on transcript NM_019098.5 (MANE Select); coding-DNA position 398, A replaced by C.
Protein change: p.His133Pro; replaces histidine 133 with proline.
Molecular consequence: missense variant.
Genome position (GRCh38, 1-based): chr8:86,671,039, T>G on the plus strand (A>C on the coding strand, the complement: CNGB3 is on the minus strand). VCF-style: chr8-86671039-T-G. GRCh37 (hg19) VCF-style: chr8-87683267-T-G.
Other names: short protein forms H133P.
Identifiers: ClinVar variation 2137897 (VCV002137897.1), dbSNP rs753603630, ClinGen allele CA180366580.